The following is an entry in ClinVar:

NM_001349798.2(FBXW7):c.459C>T (p.Pro153=)

Gene: FBXW7 (F-box and WD repeat domain containing 7; minus strand). Cytogenetic location: 4q31.3.
Variant type: single nucleotide variant.
Coding change: c.459C>T on transcript NM_001349798.2 (MANE Select); coding-DNA position 459, C replaced by T.
Protein change: p.Pro153=; no amino-acid change (proline 153 retained).
Molecular consequence: synonymous variant.
Genome position (GRCh38, 1-based): chr4:152,411,345, G>A on the plus strand (C>T on the coding strand, the complement: FBXW7 is on the minus strand). VCF-style: chr4-152411345-G-A. GRCh37 (hg19) VCF-style: chr4-153332497-G-A.
Other names: c.459C>T, p.Pro153= (NM_001257069.1, NM_033632.3).
Identifiers: ClinVar variation 4821882 (VCV004821882.4).
Genomic context (GRCh38, chr4:152,411,345, plus strand): 5'-TATATTGAATATACTCACTTTTGTTGTTTTTGTATAGAATGGGGAGGAGAGTTGGTGAAC[G>A]GGCAGGTCCACAATACTACTGGAGTTCGTGACACTGTTAGTATGTGTATGTTCATCTTCT-3'
Protein context (NP_001336727.1, residues 143-163): VTNSSSIVDL[Pro153=]VHQLSSPFYT

ClinVar aggregate classification (germline): Likely benign (1 of 4 stars; one submission).

gnomAD v4.1: 16 of 1,612,122 alleles (0.00099%); highest among the groups gnomAD compares: Middle Eastern, 0.049%; no homozygotes.

Submission:

CeGaT Center for Human Genetics Tuebingen
Classification: Likely benign. Last evaluated: 2026-02-01. Review status: criteria provided, single submitter. Criteria: CeGaT Center For Human Genetics Tuebingen Variant Classification Criteria Version 2. Collection method: clinical testing. Allele origin: germline. Affected: yes. Observed: 1 variant allele.
Comment: FBXW7: BP4, BP7